The following is an entry in ClinVar:

NM_001813.3(CENPE):c.2748dup (p.Leu917fs)

Gene: CENPE (centromere protein E; minus strand). Cytogenetic location: 4q24.
Variant type: Duplication.
Coding change: c.2748dup on transcript NM_001813.3 (MANE Select); coding-DNA position 2748, one base duplicated (A; older notation c.2748dupA).
Protein change: p.Leu917fs; shifts the reading frame from leucine 917.
Molecular consequence: frameshift variant.
Genome position (GRCh38, 1-based): chr4:103,158,740, T duplicated on the plus strand (A on the coding strand, the reverse complement: CENPE is on the minus strand); the first of 3 consecutive T bases (chr4:103,158,740-103,158,742); duplicating any one gives the same sequence. VCF-style (leftmost placement, unchanged base first): chr4-103158739-G-GT. GRCh37 (hg19) VCF-style: chr4-104079896-G-GT.
Other names: c.2673dup, p.Leu892fs (NM_001286734.2); c.2748dupA (NM_001813.3); short protein forms L892fs, L917fs.
Identifiers: ClinVar variation 2499543 (VCV002499543.2), dbSNP rs2478352849, ClinGen allele CA2580071286.
Genomic context (GRCh38, chr4:103,158,739, plus strand): 5'-GTTGTTTTAGATCATCTTTTTCTTGAGTTAAAGTTTTTACTTCTTCTAAAGTTTGCTGCA[G>GT]TTTCTCAGTAATCAGTGTTTTCTCCCTTTCTACAGTTTGCAGCGTAGAATCTCTATTTTC-3'

ClinVar aggregate classification (germline): Uncertain significance (1 of 4 stars; one submission).

Conditions:
Microcephaly 13, primary, autosomal recessive. Identifiers: Orphanet 808, MedGen C4015080, MONDO:0014473, OMIM 616051.

Submission:

Payam Genetics Center, General Welfare Department of North Khorasan Province
Classification: Uncertain significance for Microcephaly 13, primary, autosomal recessive. Last evaluated: 2023-03-01. Review status: criteria provided, single submitter. Criteria: ACMG Guidelines, 2015. Collection method: clinical testing. Allele origin: germline. Affected: no. Observed: 1 variant allele.
Comment: The CENPE c.2748dupA (p.Lys917fs) is a frameshift mutation and results at the protein level is a disfunctional or truncated protein, predicted lead to disease.This variant is not present in Iranian population databases. This variant as Pathogenic according to the ACMG classification.

(p.Lys917fs)